The following is an entry in ClinVar:

NM_002336.3(LRP6):c.1930C>T (p.Arg644Ter)

Gene: LRP6 (LDL receptor related protein 6; minus strand). Cytogenetic location: 12p13.2.
Variant type: single nucleotide variant.
Coding change: c.1930C>T on transcript NM_002336.3 (MANE Select); coding-DNA position 1930, C replaced by T.
Protein change: p.Arg644Ter; replaces arginine 644 with a stop codon.
Molecular consequence: nonsense. On other transcripts: non-coding transcript variant (1), intron variant (1).
Genome position (GRCh38, 1-based): chr12:12,164,395, G>A on the plus strand (C>T on the coding strand, the complement: LRP6 is on the minus strand). VCF-style: chr12-12164395-G-A. GRCh37 (hg19) VCF-style: chr12-12317329-G-A.
Other names: c.1930C>T, p.Arg644Ter (NM_001414244.1, NM_001414245.1, NM_001414246.1 and 4 more transcripts); c.1732C>T, p.Arg578Ter (NM_001414247.1); c.1477C>T, p.Arg493Ter (NM_001414252.1, NM_001414253.1, NM_001414254.1); c.1546-1976C>T (NM_001414255.1); short protein forms R578*, R493*, R644*.
Identifiers: ClinVar variation 2850249 (VCV002850249.4), dbSNP rs1184430122, ClinGen allele CA383946535.

ClinVar aggregate classification (germline): Pathogenic. Review status: criteria provided, multiple submitters, no conflicts (2 of 4 stars). 2 submissions from 2 submitters: Pathogenic (2). Last evaluated 2025-04-24.

Conditions:
Tooth agenesis, selective, 7 (STHAG7). Identifiers: Orphanet 99798, MedGen C4225231, MONDO:0014749, OMIM 616724.

gnomAD v4.1: 1 of 1,614,108 alleles (0.000062%); highest among the groups gnomAD compares: African/African-American, 0.0013%; no homozygotes.

Submissions (2):

Department of Clinical Genetics, Copenhagen University Hospital, Rigshospitalet
Classification: Pathogenic for Tooth agenesis, selective, 7. Last evaluated: 2025-04-24. Review status: criteria provided, single submitter. Criteria: ACMG Guidelines, 2015. Collection method: clinical testing. Allele origin: germline.
Comment: The following ACMG criteria has been used: PVS1, PM2_su

Labcorp Genetics (formerly Invitae), Labcorp
Classification: Pathogenic. Last evaluated: 2023-03-27. Review status: criteria provided, single submitter. Criteria: Invitae Variant Classification Sherloc (09022015). Collection method: clinical testing. Allele origin: germline.
Comment: For these reasons, this variant has been classified as Pathogenic. This variant has not been reported in the literature in individuals affected with LRP6-related conditions. This variant is not present in population databases (gnomAD no frequency). This sequence change creates a premature translational stop signal (p.Arg644*) in the LRP6 gene. It is expected to result in an absent or disrupted protein product. Loss-of-function variants in LRP6 are known to be pathogenic (PMID: 26387593).

Literature cited by the submitters: PubMed 26387593 (cited by Labcorp Genetics (formerly Invitae), Labcorp).